The following is an entry in ClinVar:

NM_001211.6(BUB1B):c.263A>G (p.Asn88Ser)

Gene: BUB1B (BUB1 mitotic checkpoint serine/threonine kinase B; plus strand). Cytogenetic location: 15q15.1.
Variant type: single nucleotide variant.
Coding change: c.263A>G on transcript NM_001211.6 (MANE Select); coding-DNA position 263, A replaced by G.
Protein change: p.Asn88Ser; replaces asparagine 88 with serine.
Molecular consequence: missense variant.
Genome position (GRCh38, 1-based): chr15:40,170,560, A>G. VCF-style: chr15-40170560-A-G. GRCh37 (hg19) VCF-style: chr15-40462761-A-G.
Other names: short protein forms N88S.
Identifiers: ClinVar variation 2497644 (VCV002497644.2), dbSNP rs2542516677, ClinGen allele CA391678949.

ClinVar aggregate classification (germline): Uncertain significance (1 of 4 stars; one submission).

Conditions:
Inborn genetic diseases. Identifiers: MedGen C0950123, MeSH D030342.

gnomAD v4.1: 9 of 1,613,692 alleles (0.00056%); highest among the groups gnomAD compares: Non-Finnish European, 0.00076%; no homozygotes.

Submission:

Ambry Genetics
Classification: Uncertain significance for Inborn genetic diseases. Last evaluated: 2023-02-08. Review status: criteria provided, single submitter. Criteria: Ambry Variant Classification Scheme 2023. Collection method: clinical testing. Allele origin: germline.
Comment: The p.N88S variant (also known as c.263A>G), located in coding exon 4 of the BUB1B gene, results from an A to G substitution at nucleotide position 263. The asparagine at codon 88 is replaced by serine, an amino acid with highly similar properties. This amino acid position is conserved. In addition, this alteration is predicted to be tolerated by in silico analysis. Since supporting evidence is limited at this time, the clinical significance of this alteration remains unclear.